The following is an entry in ClinVar:

GRCh37/hg19 15q13.2-13.3(chr15:30950529-32514341)

Genes: MTMR10 (myotubularin related protein 10; minus strand), CHRNA7 (cholinergic receptor nicotinic alpha 7 subunit), FAN1 (FANCD2 and FANCI associated nuclease 1; plus strand), KLF13 (KLF transcription factor 13; plus strand), MIR211 (microRNA 211; minus strand) and 2 more. Cytogenetic location: 15q13.2-13.3.
Variant type: copy number loss.
Identifiers: ClinVar variation 625720 (VCV000625720.1).

ClinVar aggregate classification (germline): Pathogenic (1 of 4 stars; one submission).

Submission:

Baylor Genetics
Classification: Pathogenic. Last evaluated: 2018-11-01. Review status: criteria provided, single submitter. Criteria: ACMG CNV Guidelines, 2011. Collection method: clinical testing. Allele origin: paternal. Affected: yes. Observed: 1 variant allele.
Comment: Deletions involving this region have been previously reported in patients with intellectual disability and seizures (PMID: 18278044, 20236110)